The following is an entry in ClinVar:

NM_003072.5(SMARCA4):c.2084G>A (p.Ser695Asn)

Gene: SMARCA4 (SWI/SNF related BAF chromatin remodeling complex subunit ATPase 4; plus strand). Cytogenetic location: 19p13.2.
Variant type: single nucleotide variant.
Coding change: c.2084G>A on transcript NM_003072.5 (MANE Select); coding-DNA position 2084, G replaced by A.
Protein change: p.Ser695Asn; replaces serine 695 with asparagine.
Molecular consequence: missense variant. On other transcripts: non-coding transcript variant (1).
Genome position (GRCh38, 1-based): chr19:11,007,984, G>A. VCF-style: chr19-11007984-G-A. GRCh37 (hg19) VCF-style: chr19-11118660-G-A.
Other names: c.2084G>A, p.Ser695Asn (NM_001128844.3, NM_001128845.2, NM_001128846.2 and 5 more transcripts); short protein forms S695N.
Identifiers: ClinVar variation 408632 (VCV000408632.17), dbSNP rs755519197, ClinGen allele CA9204002.

ClinVar aggregate classification (germline): Conflicting classifications of pathogenicity. Review status: criteria provided, conflicting classifications (1 of 4 stars). 3 submissions from 3 submitters: Uncertain significance (2); Likely benign (1). Last evaluated 2026-01-30.

Conditions:
Hereditary cancer-predisposing syndrome. Also called: Hereditary Cancer Syndrome; Hereditary neoplastic syndrome; Neoplastic Syndromes, Hereditary; Tumor predisposition. Identifiers: Orphanet 140162, MedGen C0027672, MeSH D009386, MONDO:0015356.
Intellectual disability, autosomal dominant 16 (CSS4). Also called: COFFIN-SIRIS SYNDROME 4. Identifiers: Orphanet 1465, MedGen C3553249, MONDO:0013821, OMIM 614609.
Rhabdoid tumor predisposition syndrome 2 (RTPS2). Identifiers: Orphanet 231108, Orphanet 69077, MedGen C2750074, MONDO:0013224, OMIM 613325.

Allele frequency attached by ClinVar (database versions not stated): gnomAD exomes below 0.00001 and 0.00001; ExAC 0.00001.
gnomAD v4.1: 7 of 1,613,764 alleles (0.00043%); highest among the groups gnomAD compares: African/African-American, 0.0013%; no homozygotes.

Submissions (3):

Labcorp Genetics (formerly Invitae), Labcorp
Classification: Uncertain significance for Rhabdoid tumor predisposition syndrome 2. Last evaluated: 2026-01-30. Review status: criteria provided, single submitter. Criteria: Invitae Variant Classification Sherloc (09022015). Collection method: clinical testing. Allele origin: germline.
Comment: This sequence change replaces serine, which is neutral and polar, with asparagine, which is neutral and polar, at codon 695 of the SMARCA4 protein (p.Ser695Asn). This variant is present in population databases (rs755519197, gnomAD 0.007%). This variant has not been reported in the literature in individuals affected with SMARCA4-related conditions. ClinVar contains an entry for this variant (Variation ID: 408632). Invitae Evidence Modeling of protein sequence and biophysical properties (such as structural, functional, and spatial information, amino acid conservation, physicochemical variation, residue mobility, and thermodynamic stability) indicates that this missense variant is not expected to disrupt SMARCA4 protein function with a negative predictive value of 95%. In summary, the available evidence is currently insufficient to determine the role of this variant in disease. Therefore, it has been classified as a Variant of Uncertain Significance.

Ambry Genetics
Classification: Likely benign for Hereditary cancer-predisposing syndrome. Last evaluated: 2022-10-25. Review status: criteria provided, single submitter. Criteria: Ambry Variant Classification Scheme 2023. Collection method: clinical testing. Allele origin: germline.

Genome-Nilou Lab
Classification: Uncertain significance for Intellectual disability, autosomal dominant 16. Last evaluated: 2021-07-15. Review status: criteria provided, single submitter. Criteria: ACMG Guidelines, 2015. Collection method: clinical testing. Allele origin: germline. Affected: no.